The following is an entry in ClinVar:

NC_000002.11:g.(?_48025740)_(48032572_?)del

Gene: MSH6 (mutS homolog 6; plus strand). Cytogenetic location: 2p16.3.
Variant type: Deletion.
Identifiers: ClinVar variation 1074551 (VCV001074551.3).

ClinVar aggregate classification (germline): Pathogenic (1 of 4 stars; one submission).

Conditions:
Hereditary nonpolyposis colorectal neoplasms. Identifiers: MedGen C0009405, MeSH D003123.

Submission:

Labcorp Genetics (formerly Invitae), Labcorp
Classification: Pathogenic for Hereditary nonpolyposis colorectal neoplasms. Last evaluated: 2020-01-17. Review status: criteria provided, single submitter. Criteria: Invitae Variant Classification Sherloc (09022015). Collection method: clinical testing. Allele origin: germline.
Comment: This variant has not been reported in the literature in individuals with MSH6-related conditions. For these reasons, this variant has been classified as Pathogenic. Loss-of-function variants in MSH6 are known to be pathogenic (PMID: 18269114, 24362816). This variant is an out-of-frame deletion of the genomic region encompassing exons 4-6 of the MSH6 gene. This is expected to create a premature translational stop signal and result in an absent or disrupted protein product.

Literature cited by the submitters: PubMed 18269114; PubMed 24362816.